The following is an entry in ClinVar:

ClinVar aggregate classification (germline): Pathogenic (1 of 4 stars; one submission).

Conditions:
Lethal multiple pterygium syndrome (LMPS). Identifiers: Orphanet 33108, MedGen C1854678, MONDO:0009668, OMIM 253290.

Submission:

Labcorp Genetics (formerly Invitae), Labcorp
Classification: Pathogenic for Lethal multiple pterygium syndrome. Last evaluated: 2025-04-17. Review status: criteria provided, single submitter. Criteria: Invitae Variant Classification Sherloc (09022015). Collection method: clinical testing. Allele origin: germline.
Comment: This sequence change creates a premature translational stop signal (p.Asp201Leufs*12) in the CHRND gene. It is expected to result in an absent or disrupted protein product. Loss-of-function variants in CHRND are known to be pathogenic (PMID: 11435464, 25264167). This variant is not present in population databases (gnomAD no frequency). This variant has not been reported in the literature in individuals affected with CHRND-related conditions. For these reasons, this variant has been classified as Pathogenic.

Literature cited by the submitters: PubMed 11435464; PubMed 25264167.

NM_000751.3(CHRND):c.600_603del (p.Asp201fs)

Gene: CHRND (cholinergic receptor nicotinic delta subunit; plus strand). Cytogenetic location: 2q37.1.
Variant type: Deletion.
Coding change: c.600_603del on transcript NM_000751.3 (MANE Select); coding-DNA positions 600 to 603, 4 bases deleted (TGAT; older notation c.600_603delTGAT).
Protein change: p.Asp201fs; shifts the reading frame from aspartic acid 201.
Molecular consequence: frameshift variant. On other transcripts: intron variant (1).
Genome position (GRCh38, 1-based): chr2:232,528,952-232,528,955, TGAT deleted; deleting any 4 consecutive bases within chr2:232,528,950-232,528,955 gives the same sequence; the c. name uses the placement nearest the transcript's 3' end. VCF-style (leftmost placement, unchanged base first): chr2-232528949-CATTG-C. GRCh37 (hg19) VCF-style: chr2-233393659-CATTG-C.
Other names: c.555_558del, p.Asp186fs (NM_001256657.2); c.297_300del, p.Asp100fs (NM_001311196.2); c.238+296_238+299del (NM_001311195.2); short protein forms D100fs, D186fs, D201fs.
Identifiers: ClinVar variation 4713749 (VCV004713749.1).
Genomic context (GRCh38, chr2:232,528,949, plus strand): 5'-CACCCTGAGCCTGAAACAGGATGCCAAGGAGAACCGCACCTACCCCGTGGAGTGGATCAT[CATTG>C]ATCCTGAAGGCTTCACAGGTGCTGGGAACAGCCGCCAGTGGGTGGGCAGGTCCCTCAGAC-3'